The following is an entry in ClinVar:

NM_001972.4(ELANE):c.44T>G (p.Val15Gly)

Gene: ELANE (elastase, neutrophil expressed; plus strand). Cytogenetic location: 19p13.3.
Variant type: single nucleotide variant.
Coding change: c.44T>G on transcript NM_001972.4 (MANE Select); coding-DNA position 44, T replaced by G.
Protein change: p.Val15Gly; replaces valine 15 with glycine.
Molecular consequence: missense variant.
Genome position (GRCh38, 1-based): chr19:852,372, T>G. VCF-style: chr19-852372-T-G. GRCh37 (hg19) VCF-style: chr19-852372-T-G.
Other names: short protein forms V15G.
Identifiers: ClinVar variation 4248106 (VCV004248106.1).
Genomic context (GRCh38, chr19:852,372, plus strand): 5'-GGAGCCCCAGCCCCACCATGACCCTCGGCCGCCGACTCGCGTGTCTTTTCCTCGCCTGTG[T>G]CCTGCCGGCCTTGCTGCTGGGGGGTGAGTTTTTGAGTCCAACCTCCCGCTGCTCCCTCTG-3'
Protein context (NP_001963.1, residues 5-25): RRLACLFLAC[Val15Gly]LPALLLGGTA

ClinVar aggregate classification (germline): Uncertain significance (1 of 4 stars; one submission).

Conditions:
Inborn genetic diseases. Identifiers: MedGen C0950123, MeSH D030342.

Submission:

Ambry Genetics
Classification: Uncertain significance for Inborn genetic diseases. Last evaluated: 2025-09-06. Review status: criteria provided, single submitter. Criteria: Ambry Variant Classification Scheme 2023. Collection method: clinical testing. Allele origin: germline.
Comment: The p.V15G variant (also known as c.44T>G), located in coding exon 1 of the ELANE gene, results from a T to G substitution at nucleotide position 44. The valine at codon 15 is replaced by glycine, an amino acid with dissimilar properties. This amino acid position is conserved. In addition, the in silico prediction for this alteration is inconclusive. Based on the available evidence, the clinical significance of this variant remains unclear.